The following is an entry in ClinVar:

NM_006767.4(LZTR1):c.1561T>C (p.Phe521Leu)

Gene: LZTR1 (leucine zipper like post translational regulator 1; plus strand). Cytogenetic location: 22q11.21.
Variant type: single nucleotide variant.
Coding change: c.1561T>C on transcript NM_006767.4 (MANE Select); coding-DNA position 1561, T replaced by C.
Protein change: p.Phe521Leu; replaces phenylalanine 521 with leucine.
Molecular consequence: missense variant.
Genome position (GRCh38, 1-based): chr22:20,994,215, T>C. VCF-style: chr22-20994215-T-C. GRCh37 (hg19) VCF-style: chr22-21348504-T-C.
Other names: short protein forms F521L.
Identifiers: ClinVar variation 2496787 (VCV002496787.5), dbSNP rs1924722057, ClinGen allele CA410775974.

ClinVar aggregate classification (germline): Uncertain significance. Review status: criteria provided, multiple submitters, no conflicts (2 of 4 stars). 2 submissions from 2 submitters: Uncertain significance (2). Last evaluated 2025-06-03.

Conditions:
Hereditary cancer-predisposing syndrome. Also called: Neoplastic Syndromes, Hereditary; Hereditary neoplastic syndrome; Tumor predisposition; Hereditary Cancer Syndrome. Identifiers: Orphanet 140162, MedGen C0027672, MeSH D009386, MONDO:0015356.
Cardiovascular phenotype. Identifiers: MedGen CN230736.

Allele frequency attached by ClinVar (database versions not stated): gnomAD exomes below 0.00001.
gnomAD v4.1: 3 of 1,601,508 alleles (0.00019%); highest among the groups gnomAD compares: Non-Finnish European, 0.00025%; no homozygotes.

Submissions (2):

Labcorp Genetics (formerly Invitae), Labcorp
Classification: Uncertain significance. Last evaluated: 2025-06-03. Review status: criteria provided, single submitter. Criteria: Invitae Variant Classification Sherloc (09022015). Collection method: clinical testing. Allele origin: germline.
Comment: This sequence change replaces phenylalanine, which is neutral and non-polar, with leucine, which is neutral and non-polar, at codon 521 of the LZTR1 protein (p.Phe521Leu). This variant is not present in population databases (gnomAD no frequency). This variant has not been reported in the literature in individuals affected with LZTR1-related conditions. ClinVar contains an entry for this variant (Variation ID: 2496787). Invitae Evidence Modeling of protein sequence and biophysical properties (such as structural, functional, and spatial information, amino acid conservation, physicochemical variation, residue mobility, and thermodynamic stability) indicates that this missense variant is not expected to disrupt LZTR1 protein function with a negative predictive value of 80%. In summary, the available evidence is currently insufficient to determine the role of this variant in disease. Therefore, it has been classified as a Variant of Uncertain Significance.

Ambry Genetics
Classification: Uncertain significance for Cardiovascular phenotype; Hereditary cancer-predisposing syndrome. Last evaluated: 2022-11-17. Review status: criteria provided, single submitter. Criteria: Ambry Variant Classification Scheme 2023. Collection method: clinical testing. Allele origin: germline.
Comment: The p.F521L variant (also known as c.1561T>C), located in coding exon 14 of the LZTR1 gene, results from a T to C substitution at nucleotide position 1561. The phenylalanine at codon 521 is replaced by leucine, an amino acid with highly similar properties. This amino acid position is conserved. In addition, the in silico prediction for this alteration is inconclusive. Since supporting evidence is limited at this time, the clinical significance of this alteration remains unclear.